The following is an entry in ClinVar:

NM_004186.5(SEMA3F):c.848C>T (p.Ser283Leu)

Gene: SEMA3F (semaphorin 3F; plus strand). Cytogenetic location: 3p21.31.
Variant type: single nucleotide variant.
Coding change: c.848C>T on transcript NM_004186.5 (MANE Select); coding-DNA position 848, C replaced by T.
Protein change: p.Ser283Leu; replaces serine 283 with leucine.
Molecular consequence: missense variant.
Genome position (GRCh38, 1-based): chr3:50,182,728, C>T. VCF-style: chr3-50182728-C-T. GRCh37 (hg19) VCF-style: chr3-50220161-C-T.
Other names: c.848C>T (NM_004186.4); c.551C>T, p.Ser184Leu (NM_001318798.2); c.755C>T, p.Ser252Leu (NM_001318800.2); short protein forms S252L, S184L, S283L.
Identifiers: ClinVar variation 3439445 (VCV003439445.2).

ClinVar aggregate classification (germline): Uncertain significance. Review status: criteria provided, multiple submitters, no conflicts (2 of 4 stars). 2 submissions from 2 submitters: Uncertain significance (2). Last evaluated 2024-12-02.

Conditions:
SEMA3F-related disorder. Also called: SEMA3F-related condition.

gnomAD v4.1: 2 of 1,613,246 alleles (0.00012%); highest among the groups gnomAD compares: Non-Finnish European, 0.00017%; no homozygotes.

Submissions (2):

PreventionGenetics, part of Exact Sciences
Classification: Uncertain significance for SEMA3F-related condition. Last evaluated: 2024-12-02. Review status: criteria provided, single submitter. Criteria: ACMG Guidelines, 2015. Collection method: clinical testing. Allele origin: germline.
Comment: The SEMA3F c.848C>T variant is predicted to result in the amino acid substitution p.Ser283Leu. To our knowledge, this variant has not been reported in the literature. This variant is reported in 0.00088% of alleles in individuals of European (Non-Finnish) descent in gnomAD. At this time, the clinical significance of this variant is uncertain due to the absence of conclusive functional and genetic evidence.

Ambry Genetics
Classification: Uncertain significance. Last evaluated: 2024-06-25. Review status: criteria provided, single submitter. Criteria: Ambry Variant Classification Scheme 2023. Collection method: clinical testing. Allele origin: germline.